The following is an entry in ClinVar:

NM_152564.5(VPS13B):c.9739A>T (p.Lys3247Ter)

Gene: VPS13B (vacuolar protein sorting 13 homolog B; plus strand). Cytogenetic location: 8q22.2.
Variant type: single nucleotide variant.
Coding change: c.9739A>T on transcript NM_152564.5 (MANE Select); coding-DNA position 9739, A replaced by T.
Protein change: p.Lys3247Ter; replaces lysine 3247 with a stop codon.
Molecular consequence: nonsense.
Genome position (GRCh38, 1-based): chr8:99,835,321, A>T. VCF-style: chr8-99835321-A-T. GRCh37 (hg19) VCF-style: chr8-100847549-A-T.
Other names: c.9814A>T, p.Lys3272Ter (NM_017890.5); short protein forms K3247*, K3272*.
Identifiers: ClinVar variation 1724780 (VCV001724780.2), dbSNP rs2492120455, ClinGen allele CA371782947.

ClinVar aggregate classification (germline): Likely pathogenic (1 of 4 stars; one submission).

Conditions:
Cohen syndrome (COH1). Also called: PEPPER SYNDROME; Cutis verticis gyrata, retinitis pigmentosa, and sensorineural deafness. Identifiers: Orphanet 193, MedGen C0265223, MONDO:0008999, OMIM 216550.

Submission:

Myriad Genetics, Inc.
Classification: Likely pathogenic for Cohen syndrome. Last evaluated: 2022-03-30. Review status: criteria provided, single submitter. Criteria: Myriad Women's Health Autosomal Recessive and X-Linked Classification Criteria (2021). Collection method: clinical testing. Allele origin: unknown.
Comment: NM_017890.4(VPS13B):c.9814A>T(K3272*) is expected to be pathogenic in the context of Cohen syndrome. This variant is predicted to lead to an abnormal or absent protein product due to the creation of a premature termination codon in VPS13B, a gene where loss-of-function variants are known to be pathogenic. Please note: this variant was assessed in the context of healthy population screening.